The following is an entry in ClinVar:

NM_024928.5(STN1):c.785C>A (p.Ala262Glu)

Gene: STN1 (STN1 subunit of CST complex; minus strand). Cytogenetic location: 10q24.33.
Variant type: single nucleotide variant.
Coding change: c.785C>A on transcript NM_024928.5 (MANE Select); coding-DNA position 785, C replaced by A.
Protein change: p.Ala262Glu; replaces alanine 262 with glutamic acid.
Molecular consequence: missense variant.
Genome position (GRCh38, 1-based): chr10:103,892,221, G>T on the plus strand (C>A on the coding strand, the complement: STN1 is on the minus strand). VCF-style: chr10-103892221-G-T. GRCh37 (hg19) VCF-style: chr10-105651979-G-T.
Other names: c.785C>A (NM_024928.4); short protein forms A262E.
Identifiers: ClinVar variation 1464421 (VCV001464421.5), dbSNP rs764639049, ClinGen allele CA5676503.
Genomic context (GRCh38, chr10:103,892,221, plus strand): 5'-TGGAAAACAAGTCCTTTTTCCTGCAGCAGTTGTATAGCATTCTTAAATATACTATGAATT[G>T]CCTTGGAAGTGGTGTCCTTCTTAAAATTCACCTGTAAAGAGAGGAAAAAGAAAAAAGAAA-3'
Protein context (NP_079204.2, residues 252-272): VNFKKDTTSK[Ala262Glu]IHSIFKNAIQ

ClinVar aggregate classification (germline): Uncertain significance. Review status: criteria provided, multiple submitters, no conflicts (2 of 4 stars). 2 submissions from 2 submitters: Uncertain significance (2). Last evaluated 2023-04-10.

Conditions:
Inborn genetic diseases. Identifiers: MedGen C0950123, MeSH D030342.

Allele frequency attached by ClinVar (database versions not stated): TOPMed below 0.00001; gnomAD 0.00002; ExAC 0.00003; gnomAD exomes 0.00003.
gnomAD v4.1: 9 of 1,601,550 alleles (0.00056%); highest among the groups gnomAD compares: Admixed American, 0.016%; no homozygotes.

Submissions (2):

Ambry Genetics
Classification: Uncertain significance for Inborn genetic diseases. Last evaluated: 2023-04-10. Review status: criteria provided, single submitter. Criteria: Ambry Variant Classification Scheme 2023. Collection method: clinical testing. Allele origin: germline.

Labcorp Genetics (formerly Invitae), Labcorp
Classification: Uncertain significance. Last evaluated: 2022-01-05. Review status: criteria provided, single submitter. Criteria: Invitae Variant Classification Sherloc (09022015). Collection method: clinical testing. Allele origin: germline.
Comment: This sequence change replaces alanine, which is neutral and non-polar, with glutamic acid, which is acidic and polar, at codon 262 of the STN1 protein (p.Ala262Glu). This variant is present in population databases (rs764639049, gnomAD 0.02%). This variant has not been reported in the literature in individuals affected with STN1-related conditions. Algorithms developed to predict the effect of missense changes on protein structure and function (SIFT, PolyPhen-2, Align-GVGD) all suggest that this variant is likely to be tolerated. In summary, the available evidence is currently insufficient to determine the role of this variant in disease. Therefore, it has been classified as a Variant of Uncertain Significance.